The following is an entry in ClinVar:

NM_001844.5(COL2A1):c.1024-2A>G

Gene: COL2A1 (collagen type II alpha 1 chain; minus strand). Cytogenetic location: 12q13.11.
Variant type: single nucleotide variant.
Coding change: c.1024-2A>G on transcript NM_001844.5 (MANE Select); the canonical splice acceptor site of the intron before coding-DNA position 1024, A replaced by G.
Molecular consequence: splice acceptor variant.
Genome position (GRCh38, 1-based): chr12:47,989,807, T>C on the plus strand (A>G on the coding strand, the complement: COL2A1 is on the minus strand). VCF-style: chr12-47989807-T-C. GRCh37 (hg19) VCF-style: chr12-48383590-T-C.
Other names: c.817-2A>G (NM_033150.3).
Identifiers: ClinVar variation 1441667 (VCV001441667.8), dbSNP rs2136590607, ClinGen allele CA384555506.

ClinVar aggregate classification (germline): Pathogenic (1 of 4 stars; one submission).

Submission:

Labcorp Genetics (formerly Invitae), Labcorp
Classification: Pathogenic. Last evaluated: 2021-06-29. Review status: criteria provided, single submitter. Criteria: Invitae Variant Classification Sherloc (09022015). Collection method: clinical testing. Allele origin: germline.
Comment: For these reasons, this variant has been classified as Pathogenic. Algorithms developed to predict the effect of sequence changes on RNA splicing suggest that this variant may disrupt the consensus splice site, but this prediction has not been confirmed by published transcriptional studies. Disruption of this splice site has been observed in individual(s) with Kniest dysplasia (PMID: 21250907). In at least one individual the variant was observed to be de novo. This variant is not present in population databases (ExAC no frequency). This sequence change affects an acceptor splice site in intron 16 of the COL2A1 gene. It is expected to disrupt RNA splicing. Variants that disrupt the donor or acceptor splice site typically lead to a loss of protein function (PMID: 16199547), and loss-of-function variants in COL2A1 are known to be pathogenic (PMID: 20179744).

Literature cited by the submitters: PubMed 21250907; PubMed 16199547; PubMed 20179744.